The following is an entry in ClinVar:

NM_001374736.1(DST):c.17948A>G (p.Asn5983Ser)

Gene: DST (dystonin; minus strand). Cytogenetic location: 6p12.1.
Variant type: single nucleotide variant.
Coding change: c.17948A>G on transcript NM_001374736.1 (MANE Select); coding-DNA position 17948, A replaced by G.
Protein change: p.Asn5983Ser; replaces asparagine 5983 with serine.
Molecular consequence: missense variant.
Genome position (GRCh38, 1-based): chr6:56,526,542, T>C on the plus strand (A>G on the coding strand, the complement: DST is on the minus strand). VCF-style: chr6-56526542-T-C. GRCh37 (hg19) VCF-style: chr6-56391340-T-C.
Other names: c.11591A>G, p.Asn3864Ser (NM_001144769.5); c.11177A>G, p.Asn3726Ser (NM_001144770.2); c.17948A>G, p.Asn5983Ser (NM_001374722.1); c.16988A>G, p.Asn5663Ser (NM_001374729.1); c.10730A>G, p.Asn3577Ser (NM_001374730.1); c.17975A>G, p.Asn5992Ser (NM_001374734.1); c.10079A>G, p.Asn3360Ser (NM_015548.5); c.11057A>G, p.Asn3686Ser (NM_183380.4); short protein forms N3864S, N5983S, N5663S, N3360S, N3577S, N3686S, N3726S, N5992S.
Identifiers: ClinVar variation 966539 (VCV000966539.7), dbSNP rs201492565, ClinGen allele CA3867328.

ClinVar aggregate classification (germline): Uncertain significance (1 of 4 stars; one submission).

Conditions:
Hereditary sensory and autonomic neuropathy type 6. Also called: Neuropathy, hereditary sensory and autonomic, type VI; HSAN VI. Identifiers: Orphanet 314381, MedGen C3539003, MONDO:0013839, OMIM 614653.
Epidermolysis bullosa simplex 3, localized or generalized intermediate, with BP230 deficiency (EBS3). Also called: Epidermolysis bullosa simplex, autosomal recessive 2; Epidermolysis bullosa simplex due to BP230 deficiency. Identifiers: Orphanet 412181, MedGen C3809470, MONDO:0014180, OMIM 615425.

Allele frequency attached by ClinVar (database versions not stated): gnomAD 0.00001; gnomAD exomes 0.00001 and 0.00002; TOPMed 0.00001; ExAC 0.00002.
gnomAD v4.1: 20 of 1,613,520 alleles (0.0012%); highest among the groups gnomAD compares: Non-Finnish European, 0.0015%; no homozygotes.

Submission:

Labcorp Genetics (formerly Invitae), Labcorp
Classification: Uncertain significance for Epidermolysis bullosa simplex 3, localized or generalized intermediate, with BP230 deficiency; Hereditary sensory and autonomic neuropathy type 6. Last evaluated: 2022-03-28. Review status: criteria provided, single submitter. Criteria: Invitae Variant Classification Sherloc (09022015). Collection method: clinical testing. Allele origin: germline.
Comment: The DST gene has multiple clinically relevant transcripts. This variant occurs in alternate transcript NM_015548.4, and corresponds to NM_001723.5:c.*88975A>G in the primary transcript. This sequence change replaces asparagine, which is neutral and polar, with serine, which is neutral and polar, at codon 3360 of the DST protein (p.Asn3360Ser). This variant is present in population databases (rs201492565, gnomAD 0.004%). This variant has not been reported in the literature in individuals affected with DST-related conditions. Experimental studies and prediction algorithms are not available or were not evaluated, and the functional significance of this variant is currently unknown. In summary, the available evidence is currently insufficient to determine the role of this variant in disease. Therefore, it has been classified as a Variant of Uncertain Significance.